The following is an entry in ClinVar:

NM_005334.3(HCFC1):c.2577C>T (p.Pro859=)

Gene: HCFC1 (host cell factor C1; minus strand). Cytogenetic location: Xq28.
Variant type: single nucleotide variant.
Coding change: c.2577C>T on transcript NM_005334.3 (MANE Select); coding-DNA position 2577, C replaced by T.
Protein change: p.Pro859=; no amino-acid change (proline 859 retained).
Molecular consequence: synonymous variant.
Genome position (GRCh38, 1-based): chrX:153,956,683, G>A on the plus strand (C>T on the coding strand, the complement: HCFC1 is on the minus strand). VCF-style: chrX-153956683-G-A. GRCh37 (hg19) VCF-style: chrX-153222134-G-A.
Other names: c.2577C>T, p.Pro859= (NM_001410705.1).
Identifiers: ClinVar variation 2145868 (VCV002145868.28), dbSNP rs369257857, ClinGen allele CA10557309.
Genomic context (GRCh38, chrX:153,956,683, plus strand): 5'-ACCTGTGGTGCCTTTCACAACCAACGTGGTGACGGCTGGCTTGACGGCGGAGACGGTGAC[G>A]GGTGTGACCAGGCGAACACCCCCCATGGGCACAGTGCGGAGGATGGTGCCTGGCTGTCCC-3'
Protein context (NP_005325.2, residues 849-869): VPMGGVRLVT[Pro859=]VTVSAVKPAV

ClinVar aggregate classification (germline): Benign/Likely benign. Review status: criteria provided, multiple submitters, no conflicts (2 of 4 stars). 2 submissions from 2 submitters: Benign (1); Likely benign (1). Last evaluated 2026-01-21.

Conditions:
Methylmalonic acidemia with homocystinuria, type cblX (MAHCX). Also called: INTELLECTUAL DEVELOPMENTAL DISORDER, X-LINKED 3. Identifiers: Orphanet 369962, MedGen C0796208, MONDO:0010657, OMIM 309541.

Allele frequency attached by ClinVar (database versions not stated): TOPMed 0.00004; ExAC 0.00005; gnomAD 0.00006; gnomAD exomes 0.00006; ESP Exome Variant Server 0.00010.
gnomAD v4.1: 68 of 1,210,099 alleles (0.0056%); highest among the groups gnomAD compares: Non-Finnish European, 0.0069%; no homozygotes.

Submissions (2):

Labcorp Genetics (formerly Invitae), Labcorp
Classification: Benign for Methylmalonic acidemia with homocystinuria, type cblX. Last evaluated: 2026-01-21. Review status: criteria provided, single submitter. Criteria: Invitae Variant Classification Sherloc (09022015). Collection method: clinical testing. Allele origin: germline.

CeGaT Center for Human Genetics Tuebingen
Classification: Likely benign. Last evaluated: 2025-10-01. Review status: criteria provided, single submitter. Criteria: CeGaT Center For Human Genetics Tuebingen Variant Classification Criteria Version 2. Collection method: clinical testing. Allele origin: germline. Affected: yes. Observed: 2 variant alleles.
Comment: HCFC1: BP4, BP7, BS2